The following is an entry in ClinVar:

NC_000012.12:g.121626971C>A

Genes: ORAI1 (ORAI calcium release-activated calcium modulator 1; plus strand), LOC130008987 (ATAC-STARR-seq lymphoblastoid silent region 4981; plus strand). Cytogenetic location: 12q24.31.
Variant type: single nucleotide variant.
Molecular consequence: non-coding transcript variant (on NR_186857.1).
Genome position: GRCh38 VCF-style: chr12-121626971-C-A. GRCh37 (hg19) VCF-style: chr12-122064877-C-A.
Identifiers: ClinVar variation 4790966 (VCV004790966.1).

ClinVar aggregate classification (germline): Uncertain significance (1 of 4 stars; one submission).

Conditions:
Combined immunodeficiency due to ORAI1 deficiency. Also called: IMMUNODEFICIENCY 9. Identifiers: Orphanet 169090, Orphanet 317428, MedGen C2748568, MONDO:0013007, OMIM 612782.
Myopathy, tubular aggregate, 2 (TAM2). Identifiers: MedGen C4014557, MONDO:0014383, OMIM 615883.

Submission:

Labcorp Genetics (formerly Invitae), Labcorp
Classification: Uncertain significance for Myopathy, tubular aggregate, 2; Combined immunodeficiency due to ORAI1 deficiency. Last evaluated: 2025-09-05. Review status: criteria provided, single submitter. Criteria: Invitae Variant Classification Sherloc (09022015). Collection method: clinical testing. Allele origin: germline.
Comment: This sequence change replaces serine, which is neutral and polar, with tyrosine, which is neutral and polar, at codon 75 of the ORAI1 protein (p.Ser75Tyr). This variant is not present in population databases (gnomAD no frequency). This variant has not been reported in the literature in individuals affected with ORAI1-related conditions. Experimental studies and prediction algorithms are not available or were not evaluated, and the functional significance of this variant is currently unknown. In summary, the available evidence is currently insufficient to determine the role of this variant in disease. Therefore, it has been classified as a Variant of Uncertain Significance.